The following is an entry in ClinVar:

ClinVar aggregate classification (germline): Benign (0 of 4 stars; one submission).

Conditions:
CD164-related disorder. Also called: CD164-related condition.

Allele frequency attached by ClinVar (database versions not stated): ExAC 0.02444; gnomAD 0.07873; 1000 Genomes Project 0.08167; 1000 Genomes Project 30x 0.08542; TOPMed 0.08664.
gnomAD v4.1: 24,895 of 702,298 alleles (3.5%); highest among the groups gnomAD compares: African/African-American, 24%; 1,799 homozygotes.

Submission:

PreventionGenetics, part of Exact Sciences
Classification: Benign for CD164-related condition. Last evaluated: 2019-07-25. Review status: no assertion criteria provided. Collection method: clinical testing. Allele origin: germline.
Comment: This variant is classified as benign based on ACMG/AMP sequence variant interpretation guidelines (Richards et al. 2015 PMID: 25741868, with internal and published modifications).

NM_006016.6(CD164):c.175+631C>T

Gene: CD164 (CD164 molecule; minus strand). Cytogenetic location: 6q21.
Variant type: single nucleotide variant.
Coding change: c.175+631C>T on transcript NM_006016.6 (MANE Select); 631 bases into the intron after coding-DNA position 175, C replaced by T.
Molecular consequence: intron variant. On other transcripts: nonsense (1).
Genome position (GRCh38, 1-based): chr6:109,381,573, G>A on the plus strand (C>T on the coding strand, the complement: CD164 is on the minus strand). VCF-style: chr6-109381573-G-A. GRCh37 (hg19) VCF-style: chr6-109702776-G-A.
Other names: c.4C>T, p.Arg2Ter (NM_001346500.2); c.175+631C>T (NM_001142401.3, NM_001142402.3, NM_001142404.3 and 1 more transcripts); short protein forms R2*.
Identifiers: ClinVar variation 3038123 (VCV003038123.2), dbSNP rs73762715, ClinGen allele CA3951672.